The following is an entry in ClinVar:

NM_001001344.3(ATP2B3):c.881C>T (p.Ala294Val)

Gene: ATP2B3 (ATPase plasma membrane Ca2+ transporting 3; plus strand). Cytogenetic location: Xq28.
Variant type: single nucleotide variant.
Coding change: c.881C>T on transcript NM_001001344.3 (MANE Select); coding-DNA position 881, C replaced by T.
Protein change: p.Ala294Val; replaces alanine 294 with valine.
Molecular consequence: missense variant.
Genome position (GRCh38, 1-based): chrX:153,543,133, C>T. VCF-style: chrX-153543133-C-T. GRCh37 (hg19) VCF-style: chrX-152808591-C-T.
Other names: c.881C>T, p.Ala294Val (NM_001388360.1, NM_001388361.1, NM_001388362.1 and 2 more transcripts); short protein forms A294V.
Identifiers: ClinVar variation 3907640 (VCV003907640.1).

ClinVar aggregate classification (germline): Uncertain significance (1 of 4 stars; one submission).

gnomAD v4.1: 9 of 1,211,581 alleles (0.00074%); highest among the groups gnomAD compares: Admixed American, 0.0022%; no homozygotes.

Submission:

Women's Health and Genetics/Laboratory Corporation of America, LabCorp
Classification: Uncertain significance. Last evaluated: 2025-06-19. Review status: criteria provided, single submitter. Criteria: LabCorp Variant Classification Summary - May 2015. Collection method: clinical testing. Allele origin: germline.
Comment: Variant summary: ATP2B3 c.881C>T (p.Ala294Val) results in a non-conservative amino acid change in the encoded protein sequence. Algorithms developed to predict the effect of missense changes on protein structure and function all suggest that this variant is likely to be disruptive. The variant allele was found at a frequency of 5.5e-06 in 181910 control chromosomes. The available data on variant occurrences in the general population are insufficient to allow any conclusion about variant significance. To our knowledge, no occurrence of c.881C>T in individuals affected with X-Linked Progressive Cerebellar Ataxia and no experimental evidence demonstrating its impact on protein function have been reported. No submitters have cited clinical-significance assessments for this variant to ClinVar. Based on the evidence outlined above, the variant was classified as uncertain significance.